The following is an entry in ClinVar:

NM_001212.4(C1QBP):c.114G>A (p.Leu38=)

Gene: C1QBP (complement C1q binding protein; minus strand). Cytogenetic location: 17p13.2.
Variant type: single nucleotide variant.
Coding change: c.114G>A on transcript NM_001212.4 (MANE Select); coding-DNA position 114, G replaced by A.
Protein change: p.Leu38=; no amino-acid change (leucine 38 retained).
Molecular consequence: synonymous variant.
Genome position (GRCh38, 1-based): chr17:5,438,960, C>T on the plus strand (G>A on the coding strand, the complement: C1QBP is on the minus strand). VCF-style: chr17-5438960-C-T. GRCh37 (hg19) VCF-style: chr17-5342280-C-T.
Other names: c.114G>A (NM_001212.3).
Identifiers: ClinVar variation 1565182 (VCV001565182.26), dbSNP rs756208365, ClinGen allele CA8325363.

ClinVar aggregate classification (germline): Likely benign. Review status: criteria provided, multiple submitters, no conflicts (2 of 4 stars). 4 submissions from 4 submitters: Likely benign (3). 1 of the submissions does not count toward it. Last evaluated 2026-08-01.

Conditions:
C1QBP-related disorder. Also called: C1QBP-related condition.

Allele frequency attached by ClinVar (database versions not stated): TOPMed 0.00023.
gnomAD v4.1: 198 of 1,505,934 alleles (0.013%); highest among the groups gnomAD compares: Admixed American, 0.085%; no homozygotes.

Submissions (4):

CeGaT Center for Human Genetics Tuebingen
Classification: Likely benign. Last evaluated: 2026-08-01. Review status: criteria provided, single submitter. Criteria: CeGaT Center For Human Genetics Tuebingen Variant Classification Criteria Version 2. Collection method: clinical testing. Allele origin: germline. Affected: yes. Observed: 2 variant alleles.
Comment: C1QBP: BP4, BP7

Labcorp Genetics (formerly Invitae), Labcorp
Classification: Likely benign. Last evaluated: 2025-12-17. Review status: criteria provided, single submitter. Criteria: Invitae Variant Classification Sherloc (09022015). Collection method: clinical testing. Allele origin: germline.

Blueprint Genetics
Classification: Likely benign. Last evaluated: 2024-10-16. Review status: criteria provided, single submitter. Criteria: ACMG Guidelines, 2015. Collection method: clinical testing. Allele origin: germline.

PreventionGenetics, part of Exact Sciences
Classification: Likely benign for C1QBP-related condition. Last evaluated: 2020-07-28. Review status: no assertion criteria provided. Collection method: clinical testing. Allele origin: germline. Not counted in ClinVar's aggregate classification.
Comment: This variant is classified as likely benign based on ACMG/AMP sequence variant interpretation guidelines (Richards et al. 2015 PMID: 25741868, with internal and published modifications).